The following is an entry in ClinVar:

NM_014989.7(RIMS1):c.3856T>A (p.Leu1286Ile)

Gene: RIMS1 (regulating synaptic membrane exocytosis 1; plus strand). Cytogenetic location: 6q13.
Variant type: single nucleotide variant.
Coding change: c.3856T>A on transcript NM_014989.7 (MANE Select); coding-DNA position 3856, T replaced by A.
Protein change: p.Leu1286Ile; replaces leucine 1286 with isoleucine.
Molecular consequence: missense variant. On other transcripts: intron variant (24).
Genome position (GRCh38, 1-based): chr6:72,307,263, T>A. VCF-style: chr6-72307263-T-A. GRCh37 (hg19) VCF-style: chr6-73016966-T-A.
Other names: c.1576T>A, p.Leu526Ile (NM_001350469.2); c.1657T>A, p.Leu553Ile (NM_001350471.2); c.1549T>A, p.Leu517Ile (NM_001350474.2); c.1744+15217T>A (NM_001350428.2); c.1672+15217T>A (NM_001350424.2); c.1741+15217T>A (NM_001350430.2, NM_001168408.2); c.1669+15217T>A (NM_001350450.2); c.1996+15217T>A (NM_001350442.2); and 51 more; short protein forms L1286I, L450I, L501I, L526I, L559I, L560I, L576I, L583I.
Identifiers: ClinVar variation 1368670 (VCV001368670.7), dbSNP rs930435911, ClinGen allele CA140883172.

ClinVar aggregate classification (germline): Uncertain significance. Review status: criteria provided, multiple submitters, no conflicts (2 of 4 stars). 2 submissions from 2 submitters: Uncertain significance (2). Last evaluated 2022-11-29.

Allele frequency attached by ClinVar (database versions not stated): gnomAD 0.00001; gnomAD exomes 0.00001.
gnomAD v4.1: 18 of 1,594,942 alleles (0.0011%); highest among the groups gnomAD compares: Non-Finnish European, 0.0015%; no homozygotes.

Submissions (2):

Blueprint Genetics
Classification: Uncertain significance. Last evaluated: 2022-11-29. Review status: criteria provided, single submitter. Criteria: ACMG Guidelines, 2015. Collection method: clinical testing. Allele origin: germline.

Labcorp Genetics (formerly Invitae), Labcorp
Classification: Uncertain significance. Last evaluated: 2022-02-28. Review status: criteria provided, single submitter. Criteria: Invitae Variant Classification Sherloc (09022015). Collection method: clinical testing. Allele origin: germline.
Comment: This variant has not been reported in the literature in individuals affected with RIMS1-related conditions. In summary, the available evidence is currently insufficient to determine the role of this variant in disease. Therefore, it has been classified as a Variant of Uncertain Significance. Algorithms developed to predict the effect of missense changes on protein structure and function are either unavailable or do not agree on the potential impact of this missense change (SIFT: "Deleterious"; PolyPhen-2: "Possibly Damaging"; Align-GVGD: "Class C0"). This variant is not present in population databases (gnomAD no frequency). This sequence change replaces leucine, which is neutral and non-polar, with isoleucine, which is neutral and non-polar, at codon 1286 of the RIMS1 protein (p.Leu1286Ile).